The following is an entry in ClinVar:

NM_000232.5(SGCB):c.491G>T (p.Ser164Ile)

Gene: SGCB (sarcoglycan beta; minus strand). Cytogenetic location: 4q12.
Variant type: single nucleotide variant.
Coding change: c.491G>T on transcript NM_000232.5 (MANE Select); coding-DNA position 491, G replaced by T.
Protein change: p.Ser164Ile; replaces serine 164 with isoleucine.
Molecular consequence: missense variant.
Genome position (GRCh38, 1-based): chr4:52,028,860, C>A on the plus strand (G>T on the coding strand, the complement: SGCB is on the minus strand). VCF-style: chr4-52028860-C-A. GRCh37 (hg19) VCF-style: chr4-52895026-C-A.
Other names: short protein forms S164I.
Identifiers: ClinVar variation 2129012 (VCV002129012.4), dbSNP rs1737177747, ClinGen allele CA356876973.
Genomic context (GRCh38, chr4:52,028,860, plus strand): 5'-TAGTCTGTGCTGAATAAGATATTTTGAGTCCTCGGGTCAAAAAACTGCATGCCGATGTCA[C>A]TTGTAATAGAAGTTTTGTTGTTTTCTACACTGAGCTTTGTTGTCCCTTGCTGAAAAACAA-3'
Protein context (NP_000223.1, residues 154-174): SVENNKTSIT[Ser164Ile]DIGMQFFDPR

ClinVar aggregate classification (germline): Uncertain significance (1 of 4 stars; one submission).

Conditions:
Autosomal recessive limb-girdle muscular dystrophy type 2E (LGMDR4). Also called: MUSCULAR DYSTROPHY, LIMB-GIRDLE, AUTOSOMAL RECESSIVE 4. Identifiers: Orphanet 119, MedGen C1858593, MONDO:0011423, OMIM 604286. Disease mechanism: Affects gamma-sarcoglycan and also disrupts the integrity of the entire sarcoglycan complex..

Submission:

Labcorp Genetics (formerly Invitae), Labcorp
Classification: Uncertain significance for Autosomal recessive limb-girdle muscular dystrophy type 2E. Last evaluated: 2025-04-21. Review status: criteria provided, single submitter. Criteria: Invitae Variant Classification Sherloc (09022015). Collection method: clinical testing. Allele origin: germline.
Comment: This sequence change replaces serine, which is neutral and polar, with isoleucine, which is neutral and non-polar, at codon 164 of the SGCB protein (p.Ser164Ile). This variant is not present in population databases (gnomAD no frequency). This variant has not been reported in the literature in individuals affected with SGCB-related conditions. ClinVar contains an entry for this variant (Variation ID: 2129012). Invitae Evidence Modeling of protein sequence and biophysical properties (such as structural, functional, and spatial information, amino acid conservation, physicochemical variation, residue mobility, and thermodynamic stability) indicates that this missense variant is not expected to disrupt SGCB protein function with a negative predictive value of 80%. In summary, the available evidence is currently insufficient to determine the role of this variant in disease. Therefore, it has been classified as a Variant of Uncertain Significance.